The following is an entry in ClinVar:

ClinVar aggregate classification (germline): Uncertain significance (1 of 4 stars; one submission).

Allele frequency attached by ClinVar (database versions not stated): gnomAD exomes below 0.00001.
gnomAD v4.1: 1 of 1,609,042 alleles (0.000062%); highest among the groups gnomAD compares: African/African-American, 0.0013%; no homozygotes.

Submission:

Labcorp Genetics (formerly Invitae), Labcorp
Classification: Uncertain significance. Last evaluated: 2021-05-07. Review status: criteria provided, single submitter. Criteria: Invitae Variant Classification Sherloc (09022015). Collection method: clinical testing. Allele origin: germline.
Comment: This variant is not present in population databases (ExAC no frequency). This sequence change replaces methionine with isoleucine at codon 660 of the MYH3 protein (p.Met660Ile). The methionine residue is highly conserved and there is a small physicochemical difference between methionine and isoleucine. This variant has not been reported in the literature in individuals with MYH3-related conditions. Algorithms developed to predict the effect of missense changes on protein structure and function are either unavailable or do not agree on the potential impact of this missense change (SIFT: "Deleterious"; PolyPhen-2: "Probably Damaging"; Align-GVGD: "Class C0"). In summary, the available evidence is currently insufficient to determine the role of this variant in disease. Therefore, it has been classified as a Variant of Uncertain Significance.

NM_002470.4(MYH3):c.1980G>A (p.Met660Ile)

Gene: MYH3 (myosin heavy chain 3; minus strand). Cytogenetic location: 17p13.1.
Variant type: single nucleotide variant.
Coding change: c.1980G>A on transcript NM_002470.4 (MANE Select); coding-DNA position 1980, G replaced by A.
Protein change: p.Met660Ile; replaces methionine 660 with isoleucine.
Molecular consequence: missense variant.
Genome position (GRCh38, 1-based): chr17:10,641,352, C>T on the plus strand (G>A on the coding strand, the complement: MYH3 is on the minus strand). VCF-style: chr17-10641352-C-T. GRCh37 (hg19) VCF-style: chr17-10544669-C-T.
Other names: short protein forms M660I.
Identifiers: ClinVar variation 1522789 (VCV001522789.8), dbSNP rs2074269333, ClinGen allele CA398167627.